The following is an entry in ClinVar:

NM_001272071.2(AP1S2):c.288T>C (p.Ser96=)

Gene: AP1S2 (adaptor related protein complex 1 subunit sigma 2; minus strand). Cytogenetic location: Xp22.2.
Variant type: single nucleotide variant.
Coding change: c.288T>C on transcript NM_001272071.2 (MANE Select); coding-DNA position 288, T replaced by C.
Protein change: p.Ser96=; no amino-acid change (serine 96 retained).
Molecular consequence: synonymous variant. On other transcripts: non-coding transcript variant (2).
Genome position (GRCh38, 1-based): chrX:15,845,903, A>G on the plus strand (T>C on the coding strand, the complement: AP1S2 is on the minus strand). VCF-style: chrX-15845903-A-G. GRCh37 (hg19) VCF-style: chrX-15864026-A-G.
Other names: c.288T>C, p.Ser96= (NM_001368994.1, NM_001369007.1, NM_001369008.1 and 1 more transcripts).
Identifiers: ClinVar variation 157714 (VCV000157714.24), dbSNP rs61741688, ClinGen allele CA171101.

ClinVar aggregate classification (germline): Benign/Likely benign. Review status: criteria provided, multiple submitters, no conflicts (2 of 4 stars). 5 submissions from 5 submitters: Benign (2); Likely benign (2). 1 of the submissions does not count toward it. Last evaluated 2026-01-28.

Conditions:
Inborn genetic diseases. Identifiers: MedGen C0950123, MeSH D030342.

Allele frequency attached by ClinVar (database versions not stated): gnomAD exomes 0.00171 and 0.00417; ExAC 0.00555; gnomAD 0.01402 and 0.01485; ESP Exome Variant Server 0.01572; TOPMed 0.01626; 1000 Genomes Project 30x 0.01790; 1000 Genomes Project 0.01828.
gnomAD v4.1: 3,462 of 1,190,496 alleles (0.29%); highest among the groups gnomAD compares: African/African-American, 4.8%; 50 homozygotes.

Submissions (17):

Labcorp Genetics (formerly Invitae), Labcorp
Classification: Benign. Last evaluated: 2026-01-28. Review status: criteria provided, single submitter. Criteria: Invitae Variant Classification Sherloc (09022015). Collection method: clinical testing. Allele origin: germline.

Center for Pediatric Genomic Medicine, Children's Mercy Hospital and Clinics
Classification: Likely benign. Last evaluated: 2017-08-15. Review status: criteria provided, single submitter. Criteria: ACMG Guidelines, 2015. Collection method: clinical testing. Allele origin: germline.

Ambry Genetics
Classification: Benign for Inborn genetic diseases. Last evaluated: 2016-01-25. Review status: criteria provided, single submitter. Criteria: Ambry Variant Classification Scheme 2023. Collection method: clinical testing. Allele origin: germline.

Breakthrough Genomics
Classification: Likely benign. Review status: criteria provided, single submitter. Criteria: ACMG Guidelines, 2015. Collection method: not provided. Allele origin: germline. Inheritance: X-linked recessive inheritance. Affected: yes.

Dr. Peter K. Rogan Lab, Western University
No classification provided (evidence only). Condition: Clear cell carcinoma of kidney. Review status: no classification provided. Collection method: in vitro. Allele origin: not applicable. Functional consequence: retained intron. Not counted in ClinVar's aggregate classification.

Dr. Peter K. Rogan Lab, Western University
No classification provided (evidence only). Condition: Melanoma. Review status: no classification provided. Collection method: in vitro. Allele origin: not applicable. Functional consequence: retained intron. Not counted in ClinVar's aggregate classification.

Dr. Peter K. Rogan Lab, Western University
No classification provided (evidence only). Condition: Acute myeloid leukemia. Review status: no classification provided. Collection method: in vitro. Allele origin: not applicable. Functional consequence: retained intron. Not counted in ClinVar's aggregate classification.

Dr. Peter K. Rogan Lab, Western University
No classification provided (evidence only). Condition: Colon adenocarcinoma. Review status: no classification provided. Collection method: in vitro. Allele origin: not applicable. Functional consequence: retained intron. Not counted in ClinVar's aggregate classification.

Dr. Peter K. Rogan Lab, Western University
No classification provided (evidence only). Condition: Thyroid cancer, nonmedullary, 1. Review status: no classification provided. Collection method: in vitro. Allele origin: not applicable. Functional consequence: retained intron. Not counted in ClinVar's aggregate classification.

Dr. Peter K. Rogan Lab, Western University
No classification provided (evidence only). Condition: Thyroid cancer, nonmedullary, 1. Review status: no classification provided. Collection method: in vitro. Allele origin: not applicable. Functional consequence: retained intron. Not counted in ClinVar's aggregate classification.

Dr. Peter K. Rogan Lab, Western University
No classification provided (evidence only). Condition: Uterine corpus endometrial carcinoma. Review status: no classification provided. Collection method: in vitro. Allele origin: not applicable. Functional consequence: retained intron. Not counted in ClinVar's aggregate classification.

Dr. Peter K. Rogan Lab, Western University
No classification provided (evidence only). Condition: Uterine corpus endometrial carcinoma. Review status: no classification provided. Collection method: in vitro. Allele origin: not applicable. Functional consequence: retained intron. Not counted in ClinVar's aggregate classification.

Dr. Peter K. Rogan Lab, Western University
No classification provided (evidence only). Condition: Sarcoma. Review status: no classification provided. Collection method: in vitro. Allele origin: not applicable. Functional consequence: retained intron. Not counted in ClinVar's aggregate classification.

Dr. Peter K. Rogan Lab, Western University
No classification provided (evidence only). Condition: Sarcoma. Review status: no classification provided. Collection method: in vitro. Allele origin: not applicable. Functional consequence: retained intron. Not counted in ClinVar's aggregate classification.

Dr. Peter K. Rogan Lab, Western University
No classification provided (evidence only). Condition: Hepatocellular carcinoma. Review status: no classification provided. Collection method: in vitro. Allele origin: not applicable. Functional consequence: retained intron. Not counted in ClinVar's aggregate classification.

Dr. Peter K. Rogan Lab, Western University
No classification provided (evidence only). Condition: Uterine carcinosarcoma. Review status: no classification provided. Collection method: in vitro. Allele origin: not applicable. Functional consequence: retained intron. Not counted in ClinVar's aggregate classification.

Genetic Services Laboratory, University of Chicago
Classification: Likely benign. Review status: no assertion criteria provided. Collection method: clinical testing. Allele origin: germline. Inheritance: X-linked inheritance. Not counted in ClinVar's aggregate classification.
Comment: Likely benign based on allele frequency in 1000 Genomes Project or ESP global frequency and its presence in a patient with a rare or unrelated disease phenotype. NOT Sanger confirmed